The following is an entry in ClinVar:

NM_000465.4(BARD1):c.1396-14A>C

Gene: BARD1 (BRCA1 associated RING domain 1; minus strand). Cytogenetic location: 2q35.
Variant type: single nucleotide variant.
Coding change: c.1396-14A>C on transcript NM_000465.4 (MANE Select); 14 bases into the intron before coding-DNA position 1396, A replaced by C.
Molecular consequence: intron variant.
Genome position (GRCh38, 1-based): chr2:214,767,668, T>G on the plus strand (A>C on the coding strand, the complement: BARD1 is on the minus strand). VCF-style: chr2-214767668-T-G. GRCh37 (hg19) VCF-style: chr2-215632392-T-G.
Other names: c.159-15113A>C (NM_001282548.2); c.1339-14A>C (NM_001282543.2); c.216-15113A>C (NM_001282545.2); c.364+24629A>C (NM_001282549.2).
Identifiers: ClinVar variation 3378792 (VCV003378792.1).

ClinVar aggregate classification (germline): Likely benign (1 of 4 stars; one submission).

Conditions:
Familial cancer of breast. Also called: hereditary breast carcinoma; Hereditary breast cancer; BREAST CANCER, FAMILIAL. Identifiers: Orphanet 227535, MedGen C0346153, MONDO:0016419, OMIM 114480. Disease mechanism: loss of function.

Submission:

Myriad Genetics, Inc.
Classification: Likely benign for Familial cancer of breast. Last evaluated: 2024-07-25. Review status: criteria provided, single submitter. Criteria: Myriad Autosomal Dominant, Autosomal Recessive and X-Linked Classification Criteria (2023). Collection method: clinical testing. Allele origin: unknown.
Comment: This variant is considered likely benign. This variant is intronic and is not expected to impact mRNA splicing.